The following is an entry in ClinVar:

NM_001267550.2(TTN):c.40663G>T (p.Glu13555Ter)

Gene: TTN (titin; minus strand). Cytogenetic location: 2q31.2.
Variant type: single nucleotide variant.
Coding change: c.40663G>T on transcript NM_001267550.2 (MANE Select); coding-DNA position 40663, G replaced by T.
Protein change: p.Glu13555Ter; replaces glutamic acid 13555 with a stop codon.
Molecular consequence: nonsense.
Genome position (GRCh38, 1-based): chr2:178,640,601, C>A on the plus strand (G>T on the coding strand, the complement: TTN is on the minus strand). VCF-style: chr2-178640601-C-A. GRCh37 (hg19) VCF-style: chr2-179505328-C-A.
Other names: c.35740G>T, p.Glu11914Ter (NM_001256850.1); c.13468G>T, p.Glu4490Ter (NM_003319.4); c.32959G>T, p.Glu10987Ter (NM_133378.4); c.13843G>T, p.Glu4615Ter (NM_133432.3); c.14044G>T, p.Glu4682Ter (NM_133437.4); short protein forms E10987*, E11914*, E13555*, E4490*, E4615*, E4682*.
Identifiers: ClinVar variation 2431915 (VCV002431915.2), dbSNP rs2471803456, ClinGen allele CA349663928.

ClinVar aggregate classification (germline): Likely pathogenic (1 of 4 stars; one submission).

Conditions:
Dilated cardiomyopathy 1G (CMD1G). Identifiers: Orphanet 154, MedGen C1858763, MONDO:0011400, OMIM 604145.

Submission:

Laboratorio de Genetica e Diagnostico Molecular, Hospital Israelita Albert Einstein
Classification: Likely pathogenic for Dilated cardiomyopathy 1G. Last evaluated: 2022-04-20. Review status: criteria provided, single submitter. Criteria: ACMG Guidelines, 2015. Collection method: clinical testing. Allele origin: germline. Affected: yes.
Comment: ACMG classification criteria: PVS1 very strong, PM2 moderated